The following is an entry in ClinVar:

NM_000426.4(LAMA2):c.7703G>A (p.Gly2568Glu)

Gene: LAMA2 (laminin subunit alpha 2; plus strand). Cytogenetic location: 6q22.33.
Variant type: single nucleotide variant.
Coding change: c.7703G>A on transcript NM_000426.4 (MANE Select); coding-DNA position 7703, G replaced by A.
Protein change: p.Gly2568Glu; replaces glycine 2568 with glutamic acid.
Molecular consequence: missense variant.
Genome position (GRCh38, 1-based): chr6:129,481,393, G>A. VCF-style: chr6-129481393-G-A. GRCh37 (hg19) VCF-style: chr6-129802538-G-A.
Other names: c.7691G>A, p.Gly2564Glu (NM_001079823.2); short protein forms G2564E, G2568E.
Identifiers: ClinVar variation 1713739 (VCV001713739.6), dbSNP rs1784339882, ClinGen allele CA365628300.

ClinVar aggregate classification (germline): Uncertain significance (1 of 4 stars; one submission).

Conditions:
LAMA2-related muscular dystrophy (LAMA2-RD). Also called: Laminin alpha 2-related dystrophy. Identifiers: MedGen C5679788, MONDO:0100228.

Allele frequency attached by ClinVar (database versions not stated): gnomAD exomes below 0.00001; TOPMed below 0.00001.
gnomAD v4.1: 1 of 1,614,008 alleles (0.000062%); highest among the groups gnomAD compares: South Asian, 0.0011%; no homozygotes.

Submission:

Labcorp Genetics (formerly Invitae), Labcorp
Classification: Uncertain significance for LAMA2-related muscular dystrophy. Last evaluated: 2025-10-01. Review status: criteria provided, single submitter. Criteria: Invitae Variant Classification Sherloc (09022015). Collection method: clinical testing. Allele origin: germline.
Comment: This sequence change replaces glycine, which is neutral and non-polar, with glutamic acid, which is acidic and polar, at codon 2568 of the LAMA2 protein (p.Gly2568Glu). This variant is not present in population databases (gnomAD no frequency). This variant has not been reported in the literature in individuals affected with LAMA2-related conditions. ClinVar contains an entry for this variant (Variation ID: 1713739). Invitae Evidence Modeling of protein sequence and biophysical properties (such as structural, functional, and spatial information, amino acid conservation, physicochemical variation, residue mobility, and thermodynamic stability) indicates that this missense variant is not expected to disrupt LAMA2 protein function with a negative predictive value of 95%. In summary, the available evidence is currently insufficient to determine the role of this variant in disease. Therefore, it has been classified as a Variant of Uncertain Significance.